The following is an entry in ClinVar:

ClinVar aggregate classification (germline): Pathogenic. Review status: criteria provided, multiple submitters, no conflicts (2 of 4 stars). 2 submissions from 2 submitters: Pathogenic (2). Last evaluated 2025-11-24.

Conditions:
Hereditary breast ovarian cancer syndrome. Also called: Hereditary breast and/or ovarian cancer syndrome; Hereditary breast and ovarian cancer syndrome (HBOC); Breast and ovarian cancer; Hereditary breast and ovarian cancer syndrome; Hereditary breast and ovarian cancer; BRCA1- and BRCA2-Associated Hereditary Breast and Ovarian Cancer. Identifiers: Orphanet 145, MedGen C0677776, MeSH D061325, MONDO:0003582. Disease mechanism: loss of function.
Hereditary cancer-predisposing syndrome. Also called: Hereditary neoplastic syndrome; Neoplastic Syndromes, Hereditary; Hereditary Cancer Syndrome; Tumor predisposition. Identifiers: Orphanet 140162, MedGen C0027672, MeSH D009386, MONDO:0015356.

Submissions (2):

Ambry Genetics
Classification: Pathogenic for Hereditary cancer-predisposing syndrome. Last evaluated: 2025-11-24. Review status: criteria provided, single submitter. Criteria: Ambry Variant Classification Scheme 2023. Collection method: clinical testing. Allele origin: germline.
Comment: The c.9315_9316delTT pathogenic mutation, located in coding exon 24 of the BRCA2 gene, results from a deletion of two nucleotides at nucleotide positions 9315 to 9316, causing a translational frameshift with a predicted alternate stop codon (p.F3105Lfs*5). This variant is considered to be rare based on population cohorts in the Genome Aggregation Database (gnomAD). This alteration is expected to result in loss of function by premature protein truncation or nonsense-mediated mRNA decay. As such, this alteration is interpreted as a disease-causing mutation.

Labcorp Genetics (formerly Invitae), Labcorp
Classification: Pathogenic for Hereditary breast ovarian cancer syndrome. Last evaluated: 2023-12-19. Review status: criteria provided, single submitter. Criteria: Invitae Variant Classification Sherloc (09022015). Collection method: clinical testing. Allele origin: germline.
Comment: This sequence change creates a premature translational stop signal (p.Phe3105Leufs*5) in the BRCA2 gene. It is expected to result in an absent or disrupted protein product. Loss-of-function variants in BRCA2 are known to be pathogenic (PMID: 20104584). This variant is not present in population databases (gnomAD no frequency). This variant has not been reported in the literature in individuals affected with BRCA2-related conditions. For these reasons, this variant has been classified as Pathogenic.

Literature cited by the submitters: PubMed 20104584 (cited by Labcorp Genetics (formerly Invitae), Labcorp).

NM_000059.4(BRCA2):c.9315_9316del (p.Phe3105fs)

Gene: BRCA2 (BRCA2 DNA repair associated; plus strand). Cytogenetic location: 13q13.1.
Variant type: Deletion.
Coding change: c.9315_9316del on transcript NM_000059.4 (MANE Select); coding-DNA positions 9315 to 9316, 2 bases deleted (TT; older notation c.9315_9316delTT).
Protein change: p.Phe3105fs; shifts the reading frame from phenylalanine 3105.
Molecular consequence: frameshift variant. On other transcripts: non-coding transcript variant (1).
Genome position (GRCh38, 1-based): chr13:32,394,747-32,394,748, TT deleted; deleting any 2 consecutive bases within chr13:32,394,745-32,394,748 gives the same sequence; the c. name uses the placement nearest the transcript's 3' end. VCF-style (leftmost placement, unchanged base first): chr13-32394744-GTT-G. GRCh37 (hg19) VCF-style: chr13-32968881-GTT-G.
Other names: c.9219_9220del, p.Phe3073fs (NM_001406719.1); c.9264_9265del, p.Phe3088fs (NM_001406720.1); c.4383_4384del, p.Phe1461fs (NM_001406721.1); c.2898_2899del, p.Phe966fs (NM_001406722.1); short protein forms F1461fs, F3105fs, F3088fs, F966fs, F3073fs.
Identifiers: ClinVar variation 2704067 (VCV002704067.4), dbSNP rs2548562101, ClinGen allele CA2497029990.